The following is an entry in ClinVar:

NM_052876.4(NACC1):c.674C>T (p.Ala225Val)

Gene: NACC1 (nucleus accumbens associated 1; plus strand). Cytogenetic location: 19p13.13.
Variant type: single nucleotide variant.
Coding change: c.674C>T on transcript NM_052876.4 (MANE Select); coding-DNA position 674, C replaced by T.
Protein change: p.Ala225Val; replaces alanine 225 with valine.
Molecular consequence: missense variant.
Genome position (GRCh38, 1-based): chr19:13,135,881, C>T. VCF-style: chr19-13135881-C-T. GRCh37 (hg19) VCF-style: chr19-13246695-C-T.
Other names: short protein forms A225V.
Identifiers: ClinVar variation 2133161 (VCV002133161.4), dbSNP rs2513136032, ClinGen allele CA404325880.

ClinVar aggregate classification (germline): Uncertain significance (1 of 4 stars; one submission).

Allele frequency attached by ClinVar (database versions not stated): gnomAD exomes below 0.00001.
gnomAD v4.1: 1 of 1,558,118 alleles (0.000064%); highest among the groups gnomAD compares: Non-Finnish European, 0.000087%; no homozygotes.

Submission:

Labcorp Genetics (formerly Invitae), Labcorp
Classification: Uncertain significance. Last evaluated: 2025-06-09. Review status: criteria provided, single submitter. Criteria: Invitae Variant Classification Sherloc (09022015). Collection method: clinical testing. Allele origin: germline.
Comment: This sequence change replaces alanine, which is neutral and non-polar, with valine, which is neutral and non-polar, at codon 225 of the NACC1 protein (p.Ala225Val). This variant is not present in population databases (gnomAD no frequency). This variant has not been reported in the literature in individuals affected with NACC1-related conditions. ClinVar contains an entry for this variant (Variation ID: 2133161). An algorithm developed to predict the effect of missense changes on protein structure and function outputs the following: PolyPhen-2: "Benign". The valine amino acid residue is found in multiple mammalian species, which suggests that this missense change does not adversely affect protein function. In summary, the available evidence is currently insufficient to determine the role of this variant in disease. Therefore, it has been classified as a Variant of Uncertain Significance.